The following is an entry in ClinVar:

ClinVar aggregate classification (germline): Benign (1 of 4 stars; one submission).

Submission:

Women's Health and Genetics/Laboratory Corporation of America, LabCorp
Classification: Benign. Last evaluated: 2026-02-10. Review status: criteria provided, single submitter. Criteria: LabCorp Variant Classification Summary - May 2015. Collection method: clinical testing. Allele origin: germline.
Comment: Variant summary: C1R c.1785C>T alters a conserved nucleotide resulting in a synonymous change. Consensus agreement among computation tools predict no significant impact on normal splicing. However, these predictions have yet to be confirmed by functional studies. The variant allele was found at a frequency of 8.8e-05 in 249160 control chromosomes, predominantly at a frequency of 0.00072 within the South Asian subpopulation in the gnomAD database. The observed variant frequency within South Asian control individuals in the gnomAD database exceeds the estimated maximal expected allele frequency for disease-causing variants in C1R. To our knowledge, no occurrence of c.1785C>T in individuals affected with C1R-related conditions and no experimental evidence demonstrating its impact on protein function have been reported. No submitters have cited clinical-significance assessments for this variant to ClinVar. Based on the evidence outlined above, the variant was classified as benign.

NM_001733.7(C1R):c.1785C>T (p.Gly595=)

Gene: C1R (complement C1r; minus strand). Cytogenetic location: 12p13.31.
Variant type: single nucleotide variant.
Coding change: c.1785C>T on transcript NM_001733.7 (MANE Select); coding-DNA position 1785, C replaced by T.
Protein change: p.Gly595=; no amino-acid change (glycine 595 retained).
Molecular consequence: synonymous variant.
Genome position (GRCh38, 1-based): chr12:7,080,865, G>A on the plus strand (C>T on the coding strand, the complement: C1R is on the minus strand). VCF-style: chr12-7080865-G-A. GRCh37 (hg19) VCF-style: chr12-7188169-G-A.
Other names: c.1827C>T, p.Gly609= (NM_001354346.2).
Identifiers: ClinVar variation 4847933 (VCV004847933.1).
Genomic context (GRCh38, chr12:7,080,865, plus strand): 5'-AGCTACGGGCAGACGGACAAACCTGAGGTCATGAGCAATCTTCTCCTCCATGACCCCGAA[G>A]CCACTGACATAGCCCATCAAGCCCAGGTCGTAGAAGGTATCGTTGTCAGGGAGGCAGATG-3'
Protein context (NP_001724.4, residues 585-605): YDLGLMGYVS[Gly595=]FGVMEEKIAH